The following is an entry in ClinVar:

ClinVar aggregate classification (germline): Conflicting classifications of pathogenicity. Review status: criteria provided, conflicting classifications (1 of 4 stars). 4 submissions from 4 submitters: Uncertain significance (3); Likely benign (1). Last evaluated 2025-04-29.

Conditions:
Hereditary cancer-predisposing syndrome. Also called: Neoplastic Syndromes, Hereditary; Hereditary Cancer Syndrome; Tumor predisposition; Hereditary neoplastic syndrome. Identifiers: Orphanet 140162, MedGen C0027672, MeSH D009386, MONDO:0015356.
Hereditary breast ovarian cancer syndrome. Also called: Hereditary breast and ovarian cancer syndrome; Hereditary breast and ovarian cancer syndrome (HBOC); BRCA1- and BRCA2-Associated Hereditary Breast and Ovarian Cancer; Hereditary breast and ovarian cancer; Hereditary breast and/or ovarian cancer syndrome; Breast and ovarian cancer. Identifiers: Orphanet 145, MedGen C0677776, MeSH D061325, MONDO:0003582. Disease mechanism: loss of function.
Familial cancer of breast. Also called: hereditary breast carcinoma; Hereditary breast cancer; BREAST CANCER, FAMILIAL. Identifiers: Orphanet 227535, MedGen C0346153, MONDO:0016419, OMIM 114480. Disease mechanism: loss of function.

Submissions (4):

Ambry Genetics
Classification: Likely benign for Hereditary cancer-predisposing syndrome. Last evaluated: 2025-04-29. Review status: criteria provided, single submitter. Criteria: Ambry Variant Classification Scheme 2023. Collection method: clinical testing. Allele origin: germline.

Baylor Genetics
Classification: Uncertain significance for Familial cancer of breast. Last evaluated: 2023-10-17. Review status: criteria provided, single submitter. Criteria: ACMG Guidelines, 2015. Collection method: clinical testing. Allele origin: unknown.

Color Diagnostics, LLC DBA Color Health
Classification: Uncertain significance for Hereditary cancer-predisposing syndrome. Last evaluated: 2020-12-03. Review status: criteria provided, single submitter. Criteria: ACMG Guidelines, 2015. Collection method: clinical testing. Allele origin: germline.
Comment: This missense variant replaces cysteine with glycine at codon 2549 of the BRCA2 protein. Computational prediction is inconclusive regarding the impact of this variant on protein structure and function (internally defined REVEL score threshold 0.5 < inconclusive < 0.7, PMID: 27666373). To our knowledge, functional studies have not been reported for this variant. This variant has not been reported in individuals affected with hereditary cancer in the literature. This variant has not been identified in the general population by the Genome Aggregation Database (gnomAD). The available evidence is insufficient to determine the role of this variant in disease conclusively. Therefore, this variant is classified as a Variant of Uncertain Significance.

Labcorp Genetics (formerly Invitae), Labcorp
Classification: Uncertain significance for Hereditary breast ovarian cancer syndrome. Last evaluated: 2020-03-25. Review status: criteria provided, single submitter. Criteria: Invitae Variant Classification Sherloc (09022015). Collection method: clinical testing. Allele origin: germline.
Comment: In summary, the available evidence is currently insufficient to determine the role of this variant in disease. Therefore, it has been classified as a Variant of Uncertain Significance. This sequence change replaces cysteine with glycine at codon 2549 of the BRCA2 protein (p.Cys2549Gly). The cysteine residue is moderately conserved and there is a large physicochemical difference between cysteine and glycine. This variant is not present in population databases (ExAC no frequency). This variant has not been reported in the literature in individuals with BRCA2-related conditions. Algorithms developed to predict the effect of missense changes on protein structure and function are either unavailable or do not agree on the potential impact of this missense change (SIFT: "Tolerated"; PolyPhen-2: "Probably Damaging"; Align-GVGD: "Class C0").

NM_000059.4(BRCA2):c.7645T>G (p.Cys2549Gly)

Gene: BRCA2 (BRCA2 DNA repair associated; plus strand). Cytogenetic location: 13q13.1.
Variant type: single nucleotide variant.
Coding change: c.7645T>G on transcript NM_000059.4 (MANE Select); coding-DNA position 7645, T replaced by G.
Protein change: p.Cys2549Gly; replaces cysteine 2549 with glycine.
Molecular consequence: missense variant.
Genome position (GRCh38, 1-based): chr13:32,357,769, T>G. VCF-style: chr13-32357769-T-G. GRCh37 (hg19) VCF-style: chr13-32931906-T-G.
Other names: short protein forms C2549G.
Identifiers: ClinVar variation 1036628 (VCV001036628.14), dbSNP rs2072708250, ClinGen allele CA387744881.
Genomic context (GRCh38, chr13:32,357,769, plus strand): 5'-TTTTTCTTTTTTGTGTGTGTTTATTTTGTGTAGCTGTATACGTATGGCGTTTCTAAACAT[T>G]GCATAAAAATTAACAGCAAAAATGCAGAGTCTTTTCAGTTTCACACTGAAGATTATTTTG-3'
Protein context (NP_000050.3, residues 2539-2559): QLYTYGVSKH[Cys2549Gly]IKINSKNAES